The following is an entry in ClinVar:

ClinVar aggregate classification (germline): Likely benign (1 of 4 stars; one submission).

Allele frequency attached by ClinVar (database versions not stated): ExAC 0.00014; ESP Exome Variant Server 0.00015; gnomAD 0.00019 and 0.00020; gnomAD exomes 0.00021.

Submission:

GeneDx
Classification: Likely benign. Last evaluated: 2021-12-14. Review status: criteria provided, single submitter. Criteria: GeneDx Variant Classification Process June 2021. Collection method: clinical testing. Allele origin: germline. Affected: yes.
Comment: See Variant Classification Assertion Criteria.

NM_003070.5(SMARCA2):c.2185-45C>T

Gene: SMARCA2 (SWI/SNF related BAF chromatin remodeling complex subunit ATPase 2; plus strand). Cytogenetic location: 9p24.3.
Variant type: single nucleotide variant.
Coding change: c.2185-45C>T on transcript NM_003070.5 (MANE Select); 45 bases into the intron before coding-DNA position 2185, C replaced by T.
Molecular consequence: intron variant.
Genome position (GRCh38, 1-based): chr9:2,081,787, C>T. VCF-style: chr9-2081787-C-T. GRCh37 (hg19) VCF-style: chr9-2081787-C-T.
Other names: c.2185-45C>T (NM_139045.4, NM_001289397.2, NM_001289396.2).
Identifiers: ClinVar variation 1691783 (VCV001691783.2), dbSNP rs376422456, ClinGen allele CA4963408.